The following is an entry in ClinVar:

ClinVar aggregate classification (germline): Likely benign. Review status: criteria provided, multiple submitters, no conflicts (2 of 4 stars). 2 submissions from 2 submitters: Likely benign (2). Last evaluated 2025-07-14.

Conditions:
Early-infantile DEE. Also called: Early infantile epileptic encephalopathy with suppression bursts; Early infantile epileptic encephalopathy; Ohtahara syndrome. Identifiers: Orphanet 1934, MedGen C0393706, MONDO:0800491.

Allele frequency attached by ClinVar (database versions not stated): gnomAD 0.00001; TOPMed 0.00001.
gnomAD v4.1: 7 of 1,494,378 alleles (0.00047%); highest among the groups gnomAD compares: African/African-American, 0.0073%; no homozygotes.

Submissions (2):

Labcorp Genetics (formerly Invitae), Labcorp
Classification: Likely benign for Early-infantile DEE. Last evaluated: 2025-07-14. Review status: criteria provided, single submitter. Criteria: Invitae Variant Classification Sherloc (09022015). Collection method: clinical testing. Allele origin: germline.

Women's Health and Genetics/Laboratory Corporation of America, LabCorp
Classification: Likely benign. Last evaluated: 2024-02-19. Review status: criteria provided, single submitter. Criteria: LabCorp Variant Classification Summary - May 2015. Collection method: clinical testing. Allele origin: germline.
Comment: Variant summary: KCNQ2 c.296+10C>T alters a non-conserved nucleotide located at a position not widely known to affect splicing. Consensus agreement among computation tools predict no significant impact on normal splicing. However, these predictions have yet to be confirmed by functional studies. The variant allele was found at a frequency of 4.7e-06 in 1494378 control chromosomes. The available data on variant occurrences in the general population are insufficient to allow any conclusion about variant significance. To our knowledge, no occurrence of c.296+10C>T in individuals affected with KCNQ2-Related Disorders and no experimental evidence demonstrating its impact on protein function have been reported. No submitters have cited clinical-significance assessments for this variant to ClinVar. Based on the evidence outlined above, the variant was classified as likely benign.

NM_172107.4(KCNQ2):c.296+10C>T

Gene: KCNQ2 (potassium voltage-gated channel subfamily Q member 2; minus strand). Cytogenetic location: 20q13.33.
Variant type: single nucleotide variant.
Coding change: c.296+10C>T on transcript NM_172107.4 (MANE Select); 10 bases into the intron after coding-DNA position 296, C replaced by T.
Molecular consequence: intron variant.
Genome position (GRCh38, 1-based): chr20:63,472,158, G>A on the plus strand (C>T on the coding strand, the complement: KCNQ2 is on the minus strand). VCF-style: chr20-63472158-G-A. GRCh37 (hg19) VCF-style: chr20-62103511-G-A.
Other names: c.296+10C>T (NM_004518.6, NM_172108.5, NM_172106.3 and 2 more transcripts).
Identifiers: ClinVar variation 3068828 (VCV003068828.3), dbSNP rs1273244539, ClinGen allele CA746487808.